The following is an entry in ClinVar:

ClinVar aggregate classification (germline): Uncertain significance (0 of 4 stars; one submission).

Conditions:
Autism (AUTS). Also called: Autistic disorder of childhood onset; Autistic disorder. Identifiers: MedGen C0004352, MeSH D001321, MONDO:0005260, OMIM 209850, HP:0000717.

Submission:

Centre for Addiction & Mental Health
Classification: Uncertain significance for Autism. Review status: no assertion criteria provided. Collection method: research. Allele origin: maternal. Affected: yes. Observed: 1 hemizygote. Segregation with disease observed.
Comment: Gene not previously associated with disease; independent supportng evidence needed

NM_006044.4(HDAC6):c.908A>G (p.Tyr303Cys)

Gene: HDAC6 (histone deacetylase 6; plus strand). Cytogenetic location: Xp11.23.
Variant type: single nucleotide variant.
Coding change: c.908A>G on transcript NM_006044.4 (MANE Select); coding-DNA position 908, A replaced by G.
Protein change: p.Tyr303Cys; replaces tyrosine 303 with cysteine.
Molecular consequence: missense variant. On other transcripts: non-coding transcript variant (2).
Genome position (GRCh38, 1-based): chrX:48,814,541, A>G. VCF-style: chrX-48814541-A-G. GRCh37 (hg19) VCF-style: chrX-48672948-A-G.
Other names: c.950A>G, p.Tyr317Cys (NM_001321225.2); c.908A>G, p.Tyr303Cys (NM_001321226.2, NM_001321227.2, NM_001321228.2 and 1 more transcripts); short protein forms Y303C, Y317C.
Identifiers: ClinVar variation 3338200 (VCV003338200.2).